The following is an entry in ClinVar:

NM_001042492.3(NF1):c.5608_5609dup (p.Ser1871fs)

Gene: NF1 (neurofibromin 1; plus strand). Cytogenetic location: 17q11.2.
Variant type: Duplication.
Coding change: c.5608_5609dup on transcript NM_001042492.3 (MANE Select); coding-DNA positions 5608 to 5609, 2 bases duplicated (CG; older notation c.5608_5609dupCG).
Protein change: p.Ser1871fs; shifts the reading frame from serine 1871.
Molecular consequence: frameshift variant.
Genome position (GRCh38, 1-based): chr17:31,327,838-31,327,839, CG duplicated. VCF-style (leftmost placement, unchanged base first): chr17-31327837-A-ACG. GRCh37 (hg19) VCF-style: chr17-29654855-A-ACG.
Other names: c.5545_5546dupCG (NM_000267.3); c.5545_5546dup, p.Ser1850Glyfs (NM_000267.4); short protein forms S1871fs, S1850fs.
Identifiers: ClinVar variation 4026208 (VCV004026208.1).

ClinVar aggregate classification (germline): Pathogenic (1 of 4 stars; one submission).

Conditions:
Cardiovascular phenotype. Identifiers: MedGen CN230736.
Hereditary cancer-predisposing syndrome. Also called: Tumor predisposition; Hereditary neoplastic syndrome; Neoplastic Syndromes, Hereditary; Hereditary Cancer Syndrome. Identifiers: Orphanet 140162, MedGen C0027672, MeSH D009386, MONDO:0015356.

Submission:

Ambry Genetics
Classification: Pathogenic for Cardiovascular phenotype; Hereditary cancer-predisposing syndrome. Last evaluated: 2025-05-14. Review status: criteria provided, single submitter. Criteria: Ambry Variant Classification Scheme 2023. Collection method: clinical testing. Allele origin: germline.
Comment: The c.5545_5546dupCG pathogenic mutation, located in coding exon 37 of the NF1 gene, results from a duplication of CG at nucleotide position 5545, causing a translational frameshift with a predicted alternate stop codon (p.S1850Gfs*11). This variant was reported in individual(s) with features consistent with neurofibromatosis type 1 (NF1) (Ambry internal data). This variant is considered to be rare based on population cohorts in the Genome Aggregation Database (gnomAD). This alteration is expected to result in loss of function by premature protein truncation or nonsense-mediated mRNA decay. As such, this alteration is interpreted as a disease-causing mutation.